The following is an entry in ClinVar:

NC_012920.1(MT-CYB):m.14974C>G

Gene: MT-CYB (mitochondrially encoded cytochrome b; plus strand).
Variant type: single nucleotide variant.
Genome position: chrM-14974-C-G.
Identifiers: ClinVar variation 143871 (VCV000143871.4), dbSNP rs527236168, ClinGen allele CA270604.

ClinVar aggregate classification (germline): Uncertain significance. Review status: criteria provided, single submitter (1 of 4 stars). 2 submissions from 2 submitters: Uncertain significance (1). 1 of the submissions does not count toward it. Last evaluated 2023-08-29.

Conditions:
Familial cancer of breast. Also called: BREAST CANCER, FAMILIAL; Hereditary breast cancer; hereditary breast carcinoma. Identifiers: Orphanet 227535, MedGen C0346153, MONDO:0016419, OMIM 114480. Disease mechanism: loss of function.

Submissions (2):

Ophthalmic Genetics Group, Institute of Molecular and Clinical Ophthalmology Basel
Classification: Uncertain significance for Familial cancer of breast. Last evaluated: 2023-08-29. Review status: criteria provided, single submitter. Criteria: ACMG Guidelines, 2015. Collection method: curation. Allele origin: unknown.
Comment: Clinical significance based on ACMG v2.0

This variant was classified as Uncertain significance based on ACMG criteria: PM2 and BP7.

Department of Zoology Govt. MVM College
Classification: Likely pathogenic for Familial cancer of breast. Review status: no assertion criteria provided. Collection method: not provided. Allele origin: unknown. Not counted in ClinVar's aggregate classification.
Comment: KM277006
ClinVar note: Converted during submission from probable-pathogenic to Likely pathogenic.